The following is an entry in ClinVar:

NM_001655.5(ARCN1):c.963T>A (p.Asp321Glu)

Gene: ARCN1 (archain 1 coat protein complex I subunit delta; plus strand). Cytogenetic location: 11q23.3.
Variant type: single nucleotide variant.
Coding change: c.963T>A on transcript NM_001655.5 (MANE Select); coding-DNA position 963, T replaced by A.
Protein change: p.Asp321Glu; replaces aspartic acid 321 with glutamic acid.
Molecular consequence: missense variant. On other transcripts: non-coding transcript variant (2).
Genome position (GRCh38, 1-based): chr11:118,590,485, T>A. VCF-style: chr11-118590485-T-A. GRCh37 (hg19) VCF-style: chr11-118461200-T-A.
Other names: c.699T>A, p.Asp233Glu (NM_001142281.2, NM_001425081.1); c.963T>A, p.Asp321Glu (NM_001425073.1, NM_001425078.1); c.960T>A, p.Asp320Glu (NM_001425074.1, NM_001425079.1); c.906T>A, p.Asp302Glu (NM_001425075.1); c.894T>A, p.Asp298Glu (NM_001425076.1); c.798T>A, p.Asp266Glu (NM_001425077.1); c.519T>A, p.Asp173Glu (NM_001425080.1); short protein forms D173E, D233E, D266E, D298E, D302E, D320E, D321E.
Identifiers: ClinVar variation 4534274 (VCV004534274.6).

ClinVar aggregate classification (germline): Uncertain significance (1 of 4 stars; one submission).

Submission:

CeGaT Center for Human Genetics Tuebingen
Classification: Uncertain significance. Last evaluated: 2025-11-01. Review status: criteria provided, single submitter. Criteria: CeGaT Center For Human Genetics Tuebingen Variant Classification Criteria Version 2. Collection method: clinical testing. Allele origin: germline. Affected: yes. Observed: 1 variant allele.
Comment: ARCN1: PM2